The following is an entry in ClinVar:

NM_005120.3(MED12):c.4220T>G (p.Met1407Arg)

Gene: MED12 (mediator complex subunit 12; plus strand). Cytogenetic location: Xq13.1.
Variant type: single nucleotide variant.
Coding change: c.4220T>G on transcript NM_005120.3 (MANE Select); coding-DNA position 4220, T replaced by G.
Protein change: p.Met1407Arg; replaces methionine 1407 with arginine.
Molecular consequence: missense variant.
Genome position (GRCh38, 1-based): chrX:71,132,173, T>G. VCF-style: chrX-71132173-T-G. GRCh37 (hg19) VCF-style: chrX-70352023-T-G.
Other names: short protein forms M1407R.
Identifiers: ClinVar variation 1011157 (VCV001011157.9), dbSNP rs2092319173, ClinGen allele CA413525897.

ClinVar aggregate classification (germline): Uncertain significance (1 of 4 stars; one submission).

Conditions:
FG syndrome (FGS). Identifiers: MedGen C0220769, MONDO:0002010.

Submission:

Labcorp Genetics (formerly Invitae), Labcorp
Classification: Uncertain significance for FG syndrome. Last evaluated: 2023-06-17. Review status: criteria provided, single submitter. Criteria: Invitae Variant Classification Sherloc (09022015). Collection method: clinical testing. Allele origin: germline.
Comment: This variant is not present in population databases (gnomAD no frequency). In summary, the available evidence is currently insufficient to determine the role of this variant in disease. Therefore, it has been classified as a Variant of Uncertain Significance. Advanced modeling of protein sequence and biophysical properties (such as structural, functional, and spatial information, amino acid conservation, physicochemical variation, residue mobility, and thermodynamic stability) performed at Invitae indicates that this missense variant is not expected to disrupt MED12 protein function. ClinVar contains an entry for this variant (Variation ID: 1011157). This variant has not been reported in the literature in individuals affected with MED12-related conditions. This sequence change replaces methionine, which is neutral and non-polar, with arginine, which is basic and polar, at codon 1407 of the MED12 protein (p.Met1407Arg).